The following is an entry in ClinVar:

ClinVar aggregate classification (germline): Conflicting classifications of pathogenicity. Review status: criteria provided, conflicting classifications (1 of 4 stars). 8 submissions from 8 submitters: Uncertain significance (7); Likely benign (1). Last evaluated 2026-01-18.

Conditions:
Hypercholesterolemia, autosomal dominant, type B (FHCL2). Also called: APOB-Related Familial Hypercholesterolemia, Autosomal Dominant; Hyperlipoproteinemia Type IIb; Familial Hypercholesterolemia Type B; APOLIPOPROTEIN B-100, FAMILIAL DEFECTIVE; APOLIPOPROTEIN B-100, FAMILIAL LIGAND-DEFECTIVE; Familial hypercholesterolemia 2. Identifiers: MedGen C1704417, MONDO:0007751, OMIM 144010.
Familial hypobetalipoproteinemia 1. Also called: APOB-Related Familial Hypobetalipoproteinemia; Hypobetalipoproteinemia, normotriglyceridemic; Acanthocytosis with hypobetalipoproteinemia. Identifiers: MedGen C4551990, MONDO:0014252, OMIM 615558.
Cardiovascular phenotype. Identifiers: MedGen CN230736.
Familial hypercholesterolemia. Also called: Familial hypercholesterolemias; Familial hypercholesterolaemia. Identifiers: MedGen C0020445, MONDO:0005439.

Allele frequency attached by ClinVar (database versions not stated): ExAC 0.00007; gnomAD 0.00009 and 0.00010; TOPMed 0.00011; 1000 Genomes Project 30x 0.00016; 1000 Genomes Project 0.00020; ESP Exome Variant Server 0.00031.
gnomAD v4.1: 364 of 1,614,006 alleles (0.023%); highest among the groups gnomAD compares: Non-Finnish European, 0.029%; 1 homozygote.

Submissions (8):

Labcorp Genetics (formerly Invitae), Labcorp
Classification: Likely benign for Familial hypobetalipoproteinemia 1; Hypercholesterolemia, autosomal dominant, type B. Last evaluated: 2026-01-18. Review status: criteria provided, single submitter. Criteria: Invitae Variant Classification Sherloc (09022015). Collection method: clinical testing. Allele origin: germline.

Quest Diagnostics Nichols Institute San Juan Capistrano
Classification: Uncertain significance. Last evaluated: 2025-10-15. Review status: criteria provided, single submitter. Criteria: Quest Diagnostics criteria. Collection method: clinical testing. Allele origin: unknown.
Comment: The APOB c.11233G>A (p.Val3745Ile) variant has not been reported in individuals with APOB-related conditions in the published literature. The frequency of this variant in the general population (Genome Aggregation Database) is uninformative in the assessment of its pathogenicity. Analysis of this variant using bioinformatics tools for the prediction of the effect of amino acid changes on protein structure and function yielded predictions that this variant is benign. Based on the available information, we are unable to determine the clinical significance of this variant.

Cambridge Genomics Laboratory, East Genomic Laboratory Hub, NHS Genomic Medicine Service
Classification: Uncertain significance for Familial hypercholesterolaemia. Last evaluated: 2024-06-04. Review status: criteria provided, single submitter. Criteria: ACGS Best Practice Guidelines for Variant Classification in Rare Disease 2020. Collection method: clinical testing. Allele origin: germline. Affected: yes.
Comment: (PM2 - Moderate) | The p.Val3745Ile variant is not predicted to introduce a novel splice site by any splice site algorithm. The p.Val3745Ile missense variant is predicted to be tolerated by both SIFT or PolyPhen2. The isoleucine residue at codon 3745 of APOB is present in Guinea pig and 1 other mammalian species. The nucleotide c.11233 in APOB is not conserved according to a GERP++ and PhyloP analysis of 100 vertebrates. (BP4 - Supporting)

Ambry Genetics
Classification: Uncertain significance for Cardiovascular phenotype. Last evaluated: 2024-02-24. Review status: criteria provided, single submitter. Criteria: Ambry Variant Classification Scheme 2023. Collection method: clinical testing. Allele origin: germline.
Comment: The p.V3745I variant (also known as c.11233G>A), located in coding exon 26 of the APOB gene, results from a G to A substitution at nucleotide position 11233. The valine at codon 3745 is replaced by isoleucine, an amino acid with highly similar properties. This amino acid position is not well conserved in available vertebrate species. In addition, this alteration is predicted to be tolerated by in silico analysis. Since supporting evidence is limited at this time, the clinical significance of this alteration remains unclear.

GeneDx
Classification: Uncertain significance. Last evaluated: 2022-07-14. Review status: criteria provided, single submitter. Criteria: GeneDx Variant Classification Process June 2021. Collection method: clinical testing. Allele origin: germline. Affected: yes.
Comment: Has not been previously published as pathogenic or benign to our knowledge; In silico analysis, which includes protein predictors and evolutionary conservation, supports that this variant does not alter protein structure/function

Department of Pathology and Laboratory Medicine, Sinai Health System
Classification: Uncertain significance for hypercholesterolemia, autosomal dominant, type B. Last evaluated: 2021-07-30. Review status: criteria provided, single submitter. Criteria: ACMG Guidelines, 2015. Collection method: research. Allele origin: germline.

Mayo Clinic Laboratories, Mayo Clinic
Classification: Uncertain significance. Last evaluated: 2020-12-30. Review status: criteria provided, single submitter. Criteria: ACMG Guidelines, 2015. Collection method: clinical testing. Allele origin: germline. Observed: 1 variant allele.

Knight Diagnostic Laboratories, Oregon Health and Sciences University
Classification: Uncertain significance for Hypobetalipoproteinemia, familial, 1. Last evaluated: 2019-08-29. Review status: criteria provided, single submitter. Criteria: ACMG Guidelines, 2015. Collection method: clinical testing. Allele origin: germline. Observed: 1 variant allele.

NM_000384.3(APOB):c.11233G>A (p.Val3745Ile)

Gene: APOB (apolipoprotein B; minus strand). Cytogenetic location: 2p24.1.
Variant type: single nucleotide variant.
Coding change: c.11233G>A on transcript NM_000384.3 (MANE Select); coding-DNA position 11233, G replaced by A.
Protein change: p.Val3745Ile; replaces valine 3745 with isoleucine.
Molecular consequence: missense variant.
Genome position (GRCh38, 1-based): chr2:21,005,635, C>T on the plus strand (G>A on the coding strand, the complement: APOB is on the minus strand). VCF-style: chr2-21005635-C-T. GRCh37 (hg19) VCF-style: chr2-21228507-C-T.
Other names: short protein forms V3745I.
Identifiers: ClinVar variation 630250 (VCV000630250.27), dbSNP rs147564959, ClinGen allele CA045728.